The following is an entry in ClinVar:

NM_000112.4(SLC26A2):c.704C>T (p.Ala235Val)

Gene: SLC26A2 (solute carrier family 26 member 2; plus strand). Cytogenetic location: 5q32.
Variant type: single nucleotide variant.
Coding change: c.704C>T on transcript NM_000112.4 (MANE Select); coding-DNA position 704, C replaced by T.
Protein change: p.Ala235Val; replaces alanine 235 with valine.
Molecular consequence: missense variant.
Genome position (GRCh38, 1-based): chr5:149,980,297, C>T. VCF-style: chr5-149980297-C-T. GRCh37 (hg19) VCF-style: chr5-149359860-C-T.
Other names: short protein forms A235V.
Identifiers: ClinVar variation 618367 (VCV000618367.17), dbSNP rs777906405, ClinGen allele CA3505311.

ClinVar aggregate classification (germline): Uncertain significance. Review status: criteria provided, multiple submitters, no conflicts (2 of 4 stars). 8 submissions from 5 submitters: Uncertain significance (7). 1 of the submissions does not count toward it. Last evaluated 2024-03-18.

Conditions:
Multiple epiphyseal dysplasia type 4 (EDM4). Also called: Multiple Epiphyseal Dysplasia, Recessive; SLC26A2-Related Multiple Epiphyseal Dysplasia; MULTIPLE EPIPHYSEAL DYSPLASIA WITH BILAYERED PATELLAE; MULTIPLE EPIPHYSEAL DYSPLASIA WITH CLUBFOOT; MULTIPLE EPIPHYSEAL DYSPLASIA, AUTOSOMAL RECESSIVE. Identifiers: Orphanet 93307, MedGen C1847593, MONDO:0009189, OMIM 226900.
Achondrogenesis, type IB (ACG1B). Also called: Achondrogenesis Type 1B. Identifiers: Orphanet 932, Orphanet 93298, MedGen C0265274, MONDO:0010966, OMIM 600972.
Diastrophic dysplasia (DTD). Also called: Diastrophic dwarfism. Identifiers: Orphanet 628, MedGen C0220726, MONDO:0009107, OMIM 222600.
Atelosteogenesis type II (AO2). Also called: Neonatal osseous dysplasia 1; SLC26A2-Related Atelosteogenesis; NEONATAL OSSEOUS DYSPLASIA I. Identifiers: Orphanet 56304, MedGen C1850554, MONDO:0009727, OMIM 256050.

Allele frequency attached by ClinVar (database versions not stated): gnomAD exomes 0.00001 and 0.00002; ExAC 0.00002; gnomAD 0.00008 and 0.00009; TOPMed 0.00008.
gnomAD v4.1: 45 of 1,613,146 alleles (0.0028%); highest among the groups gnomAD compares: African/African-American, 0.021%; no homozygotes.

Submissions (8):

Blueprint Genetics
Classification: Uncertain significance. Last evaluated: 2024-03-18. Review status: criteria provided, single submitter. Criteria: ACMG Guidelines, 2015. Collection method: clinical testing. Allele origin: germline.

Labcorp Genetics (formerly Invitae), Labcorp
Classification: Uncertain significance for Atelosteogenesis type II; Multiple epiphyseal dysplasia type 4; Achondrogenesis, type IB; Diastrophic dysplasia. Last evaluated: 2022-07-05. Review status: criteria provided, single submitter. Criteria: Invitae Variant Classification Sherloc (09022015). Collection method: clinical testing. Allele origin: germline.
Comment: This sequence change replaces alanine, which is neutral and non-polar, with valine, which is neutral and non-polar, at codon 235 of the SLC26A2 protein (p.Ala235Val). The frequency data for this variant in the population databases is considered unreliable, as metrics indicate poor data quality at this position in the gnomAD database. This variant has not been reported in the literature in individuals affected with SLC26A2-related conditions. ClinVar contains an entry for this variant (Variation ID: 618367). Advanced modeling of protein sequence and biophysical properties (such as structural, functional, and spatial information, amino acid conservation, physicochemical variation, residue mobility, and thermodynamic stability) performed at Invitae indicates that this missense variant is not expected to disrupt SLC26A2 protein function. In summary, the available evidence is currently insufficient to determine the role of this variant in disease. Therefore, it has been classified as a Variant of Uncertain Significance.

Genome-Nilou Lab
Classification: Uncertain significance for Achondrogenesis, type IB. Last evaluated: 2021-07-22. Review status: criteria provided, single submitter. Criteria: ACMG Guidelines, 2015. Collection method: clinical testing. Allele origin: germline. Affected: no.

Genome-Nilou Lab
Classification: Uncertain significance for Atelosteogenesis type II. Last evaluated: 2021-07-22. Review status: criteria provided, single submitter. Criteria: ACMG Guidelines, 2015. Collection method: clinical testing. Allele origin: germline. Affected: no.

Genome-Nilou Lab
Classification: Uncertain significance for Diastrophic dysplasia. Last evaluated: 2021-07-22. Review status: criteria provided, single submitter. Criteria: ACMG Guidelines, 2015. Collection method: clinical testing. Allele origin: germline. Affected: no.

Genome-Nilou Lab
Classification: Uncertain significance for Multiple epiphyseal dysplasia type 4. Last evaluated: 2021-07-22. Review status: criteria provided, single submitter. Criteria: ACMG Guidelines, 2015. Collection method: clinical testing. Allele origin: germline. Affected: no.

ARUP Laboratories, Molecular Genetics and Genomics, ARUP Laboratories
Classification: Uncertain significance. Last evaluated: 2017-12-31. Review status: criteria provided, single submitter. Criteria: ARUP Molecular Germline Variant Investigation Process. Collection method: clinical testing. Allele origin: germline.
Comment: The SLC26A2 c.704C>T; p.Ala235Val variant (rs777906405), to our knowledge, is not reported in the medical literature, gene specific variation databases, nor has it been previously identified by our laboratory. This variant is listed in the genome Aggregation Database (gnomAD) with an overall population frequency of 0.001% (identified on 3 out of 245,942 chromosomes). The alanine at position 235 is moderately conserved considering 12 species (Alamut software v.2.10.0) and computational analyses of the effects of the p.Ala235Val variant on protein structure and function do not agree (SIFT: tolerated, MutationTaster: disease causing, PolyPhen-2: benign). Based on the available information, it is not possible to predict the clinical significance of the p.Ala235Val variant with confidence.

Natera, Inc.
Classification: Uncertain significance for Achondrogenesis type IB. Last evaluated: 2020-08-12. Review status: no assertion criteria provided. Collection method: clinical testing. Allele origin: germline. Not counted in ClinVar's aggregate classification.